The following is an entry in ClinVar:

ClinVar aggregate classification (germline): Uncertain significance (1 of 4 stars; one submission).

Conditions:
Amyloidosis, hereditary systemic 1 (AMYLD1). Also called: Hereditary oculoleptomeningeal amyloid angiopathy; Familial Transthyretin Amyloidosis; Hereditary Transthyretin Amyloidosis; Familial amyloid polyneuropathy; Transthyretin Amyloidosis; Isolated Cardiac Amyloidosis. Identifiers: Orphanet 85447, Orphanet 85451, MedGen C2751492, MONDO:0971004, OMIM 105210.

Submission:

Labcorp Genetics (formerly Invitae), Labcorp
Classification: Uncertain significance for Amyloidosis, hereditary systemic 1. Last evaluated: 2023-08-23. Review status: criteria provided, single submitter. Criteria: Invitae Variant Classification Sherloc (09022015). Collection method: clinical testing. Allele origin: germline.
Comment: In summary, the available evidence is currently insufficient to determine the role of this variant in disease. Therefore, it has been classified as a Variant of Uncertain Significance. Advanced modeling of protein sequence and biophysical properties (such as structural, functional, and spatial information, amino acid conservation, physicochemical variation, residue mobility, and thermodynamic stability) performed at Invitae indicates that this missense variant is expected to disrupt TTR protein function. This variant has not been reported in the literature in individuals affected with TTR-related conditions. This variant is not present in population databases (gnomAD no frequency). This sequence change replaces proline, which is neutral and non-polar, with leucine, which is neutral and non-polar, at codon 122 of the TTR protein (p.Pro122Leu).

NM_000371.4(TTR):c.365C>T (p.Pro122Leu)

Gene: TTR (transthyretin; plus strand). Cytogenetic location: 18q12.1.
Variant type: single nucleotide variant.
Coding change: c.365C>T on transcript NM_000371.4 (MANE Select); coding-DNA position 365, C replaced by T.
Protein change: p.Pro122Leu; replaces proline 122 with leucine.
Molecular consequence: missense variant.
Genome position (GRCh38, 1-based): chr18:31,598,596, C>T. VCF-style: chr18-31598596-C-T. GRCh37 (hg19) VCF-style: chr18-29178559-C-T.
Other names: short protein forms P122L.
Identifiers: ClinVar variation 2919019 (VCV002919019.3), dbSNP rs11541793, ClinGen allele CA402158174.